The following is an entry in ClinVar:

ClinVar aggregate classification (germline): Uncertain significance (1 of 4 stars; one submission).

Submission:

Labcorp Genetics (formerly Invitae), Labcorp
Classification: Uncertain significance. Last evaluated: 2025-03-07. Review status: criteria provided, single submitter. Criteria: Invitae Variant Classification Sherloc (09022015). Collection method: clinical testing. Allele origin: germline.
Comment: This sequence change replaces tyrosine, which is neutral and polar, with histidine, which is basic and polar, at codon 453 of the IL6ST protein (p.Tyr453His). This variant is not present in population databases (gnomAD no frequency). This variant has not been reported in the literature in individuals affected with IL6ST-related conditions. An algorithm developed to predict the effect of missense changes on protein structure and function (PolyPhen-2) suggests that this variant is likely to be disruptive. In summary, the available evidence is currently insufficient to determine the role of this variant in disease. Therefore, it has been classified as a Variant of Uncertain Significance.

NM_002184.4(IL6ST):c.1357T>C (p.Tyr453His)

Gene: IL6ST (interleukin 6 cytokine family signal transducer; minus strand). Cytogenetic location: 5q11.2.
Variant type: single nucleotide variant.
Coding change: c.1357T>C on transcript NM_002184.4 (MANE Select); coding-DNA position 1357, T replaced by C.
Protein change: p.Tyr453His; replaces tyrosine 453 with histidine.
Molecular consequence: missense variant. On other transcripts: 3 prime UTR variant (1), non-coding transcript variant (2), intron variant (1).
Genome position (GRCh38, 1-based): chr5:55,954,903, A>G on the plus strand (T>C on the coding strand, the complement: IL6ST is on the minus strand). VCF-style: chr5-55954903-A-G. GRCh37 (hg19) VCF-style: chr5-55250731-A-G.
Other names: c.1357T>C, p.Tyr453His (NM_001364275.2); c.1147T>C, p.Tyr383His (NM_001364276.2); c.490T>C, p.Tyr164His (NM_001364277.2); c.454T>C, p.Tyr152His (NM_001364278.2); c.361T>C, p.Tyr121His (NM_001364279.2); c.*284T>C (NM_175767.3); c.1267+1122T>C (NM_001190981.2); short protein forms Y121H, Y164H, Y453H, Y383H, Y152H.
Identifiers: ClinVar variation 4714631 (VCV004714631.1).